The following is an entry in ClinVar:

ClinVar aggregate classification (germline): Uncertain significance. Review status: criteria provided, multiple submitters, no conflicts (2 of 4 stars). 2 submissions from 2 submitters: Uncertain significance (2). Last evaluated 2025-10-02.

Conditions:
Inborn genetic diseases. Identifiers: MedGen C0950123, MeSH D030342.

Allele frequency attached by ClinVar (database versions not stated): ExAC 0.00001; gnomAD exomes 0.00001; TOPMed 0.00002.
gnomAD v4.1: 7 of 1,614,106 alleles (0.00043%); highest among the groups gnomAD compares: Non-Finnish European, 0.00059%; no homozygotes.

Submissions (2):

Labcorp Genetics (formerly Invitae), Labcorp
Classification: Uncertain significance. Last evaluated: 2025-10-02. Review status: criteria provided, single submitter. Criteria: Invitae Variant Classification Sherloc (09022015). Collection method: clinical testing. Allele origin: germline.
Comment: This sequence change replaces aspartic acid, which is acidic and polar, with glycine, which is neutral and non-polar, at codon 957 of the MYH3 protein (p.Asp957Gly). This variant is present in population databases (rs772174746, gnomAD 0.002%). This variant has not been reported in the literature in individuals affected with MYH3-related conditions. ClinVar contains an entry for this variant (Variation ID: 1941613). Invitae Evidence Modeling of protein sequence and biophysical properties (such as structural, functional, and spatial information, amino acid conservation, physicochemical variation, residue mobility, and thermodynamic stability) indicates that this missense variant is not expected to disrupt MYH3 protein function with a negative predictive value of 95%. In summary, the available evidence is currently insufficient to determine the role of this variant in disease. Therefore, it has been classified as a Variant of Uncertain Significance.

Ambry Genetics
Classification: Uncertain significance for Inborn genetic diseases. Last evaluated: 2024-01-03. Review status: criteria provided, single submitter. Criteria: Ambry Variant Classification Scheme 2023. Collection method: clinical testing. Allele origin: germline.

NM_002470.4(MYH3):c.2870A>G (p.Asp957Gly)

Gene: MYH3 (myosin heavy chain 3; minus strand). Cytogenetic location: 17p13.1.
Variant type: single nucleotide variant.
Coding change: c.2870A>G on transcript NM_002470.4 (MANE Select); coding-DNA position 2870, A replaced by G.
Protein change: p.Asp957Gly; replaces aspartic acid 957 with glycine.
Molecular consequence: missense variant.
Genome position (GRCh38, 1-based): chr17:10,639,615, T>C on the plus strand (A>G on the coding strand, the complement: MYH3 is on the minus strand). VCF-style: chr17-10639615-T-C. GRCh37 (hg19) VCF-style: chr17-10542932-T-C.
Other names: c.2870A>G (NM_002470.3); short protein forms D957G.
Identifiers: ClinVar variation 1941613 (VCV001941613.6), dbSNP rs772174746, ClinGen allele CA8392665.
Genomic context (GRCh38, chr17:10,639,615, plus strand): 5'-AATACCTTGTTCTCTGTGGCATGCTTCTCCTTCTCAACCTTGGCCAGGGTCAACTCAAGG[T>C]CATCAATGTCTTTCTTGAGCTCTGAGCATTCATCCTCCAGTTTCCTCTTCTTGGCCGTCA-3'
Protein context (NP_002461.2, residues 947-967): ECSELKKDID[Asp957Gly]LELTLAKVEK